The following is an entry in ClinVar:

NM_001098.3(ACO2):c.212A>G (p.Tyr71Cys)

Gene: ACO2 (aconitase 2; plus strand). Cytogenetic location: 22q13.2.
Variant type: single nucleotide variant.
Coding change: c.212A>G on transcript NM_001098.3 (MANE Select); coding-DNA position 212, A replaced by G.
Protein change: p.Tyr71Cys; replaces tyrosine 71 with cysteine.
Molecular consequence: missense variant.
Genome position (GRCh38, 1-based): chr22:41,507,829, A>G. VCF-style: chr22-41507829-A-G. GRCh37 (hg19) VCF-style: chr22-41903833-A-G.
Other names: short protein forms Y71C.
Identifiers: ClinVar variation 1405384 (VCV001405384.6), dbSNP rs2066405231, ClinGen allele CA411712939.
Genomic context (GRCh38, chr22:41,507,829, plus strand): 5'-CCTTCTGCTCTTCTCCCCACAGACTGAACCGGCCGCTGACACTCTCGGAGAAGATTGTGT[A>G]TGGACACCTGGATGACCCCGCCAGCCAGGAAATTGAGCGAGGCAAGTCGTACCTGCGGCT-3'
Protein context (NP_001089.1, residues 61-81): RPLTLSEKIV[Tyr71Cys]GHLDDPASQE

ClinVar aggregate classification (germline): Uncertain significance (1 of 4 stars; one submission).

Allele frequency attached by ClinVar (database versions not stated): TOPMed below 0.00001.

Submission:

Labcorp Genetics (formerly Invitae), Labcorp
Classification: Uncertain significance. Last evaluated: 2021-07-21. Review status: criteria provided, single submitter. Criteria: Invitae Variant Classification Sherloc (09022015). Collection method: clinical testing. Allele origin: germline.
Comment: This sequence change replaces tyrosine with cysteine at codon 71 of the ACO2 protein (p.Tyr71Cys). The tyrosine residue is highly conserved and there is a large physicochemical difference between tyrosine and cysteine. This variant is not present in population databases (ExAC no frequency). This variant has not been reported in the literature in individuals affected with ACO2-related conditions. Advanced modeling of protein sequence and biophysical properties (such as structural, functional, and spatial information, amino acid conservation, physicochemical variation, residue mobility, and thermodynamic stability) performed at Invitae indicates that this missense variant is expected to disrupt ACO2 protein function. In summary, the available evidence is currently insufficient to determine the role of this variant in disease. Therefore, it has been classified as a Variant of Uncertain Significance.